The following is an entry in ClinVar:

ClinVar aggregate classification (germline): Pathogenic. Review status: criteria provided, multiple submitters, no conflicts (2 of 4 stars). 4 submissions from 4 submitters: Pathogenic (4). Last evaluated 2026-01-28.

Conditions:
Neurofibromatosis, type 1 (NF1). Also called: VON RECKLINGHAUSEN DISEASE; NEUROFIBROMATOSIS, TYPE I, SOMATIC; Peripheral type neurofibromatosis; Neurofibromatosis, type I. Identifiers: Orphanet 636, MedGen C0027831, MONDO:0018975, OMIM 162200. Disease mechanism: loss of function.

Submissions (4):

Labcorp Genetics (formerly Invitae), Labcorp
Classification: Pathogenic for Neurofibromatosis, type 1. Last evaluated: 2026-01-28. Review status: criteria provided, single submitter. Criteria: Invitae Variant Classification Sherloc (09022015). Collection method: clinical testing. Allele origin: germline.
Comment: This sequence change replaces methionine, which is neutral and non-polar, with threonine, which is neutral and polar, at codon 1149 of the NF1 protein (p.Met1149Thr). This variant is not present in population databases (gnomAD no frequency). This missense change has been observed in individual(s) with neurofibromatosis type 1 (PMID: 31595648; internal data). Invitae Evidence Modeling of clinical and family history, age, sex, and reported ancestry of multiple individuals with this NF1 variant has been performed. This variant is expected to be pathogenic with a positive predictive value of at least 99%. This is a validated machine learning model that incorporates the clinical features of 1,785,918 individuals referred to our laboratory for NF1 testing. ClinVar contains an entry for this variant (Variation ID: 660819). Invitae Evidence Modeling of protein sequence and biophysical properties (such as structural, functional, and spatial information, amino acid conservation, physicochemical variation, residue mobility, and thermodynamic stability) indicates that this missense variant is expected to disrupt NF1 protein function with a positive predictive value of 95%. This variant disrupts the p.Met1149 amino acid residue in NF1. Other variant(s) that disrupt this residue have been determined to be pathogenic (PMID: 16944272, 23656349, 24711935, 27322474, 28706617; internal data). This suggests that this residue is clinically significant, and that variants that disrupt this residue are likely to be disease-causing. For these reasons, this variant has been classified as Pathogenic.

GeneDx
Classification: Pathogenic. Last evaluated: 2024-09-09. Review status: criteria provided, single submitter. Criteria: GeneDx Variant Classification Process June 2021. Collection method: clinical testing. Allele origin: germline. Affected: yes.
Comment: Not observed at significant frequency in large population cohorts (gnomAD); In silico analysis supports that this missense variant has a deleterious effect on protein structure/function; This variant is associated with the following publications: (PMID: 31595648, 2121369, 22807134, 25486365)

Greenwood Genetic Center Diagnostic Laboratories, Greenwood Genetic Center
Classification: Pathogenic for Neurofibromatosis, type 1. Last evaluated: 2021-11-10. Review status: criteria provided, single submitter. Criteria: ACMG Guidelines, 2015. Collection method: clinical testing. Allele origin: germline. Affected: yes.
Comment: PS4, PM1, PM2, PM6, PP3

UAB Medical Genomics Laboratory, UAB Medicine
Classification: Pathogenic for Neurofibromatosis, type 1. Last evaluated: 2019-06-05. Review status: criteria provided, single submitter. Criteria: ACMG Guidelines, 2015. Collection method: clinical testing. Allele origin: inherited. Affected: yes.

Literature cited by the submitters: PubMed 31595648 (cited by Labcorp Genetics (formerly Invitae), Labcorp and UAB Medical Genomics Laboratory, UAB Medicine); PubMed 16944272 (cited by Labcorp Genetics (formerly Invitae), Labcorp); PubMed 23656349 (cited by Labcorp Genetics (formerly Invitae), Labcorp); PubMed 24711935 (cited by Labcorp Genetics (formerly Invitae), Labcorp); PubMed 27322474 (cited by Labcorp Genetics (formerly Invitae), Labcorp); PubMed 28706617 (cited by Labcorp Genetics (formerly Invitae), Labcorp); PubMed 29290338 (cited by UAB Medical Genomics Laboratory, UAB Medicine).

NM_001042492.3(NF1):c.3446T>C (p.Met1149Thr)

Gene: NF1 (neurofibromin 1; plus strand). Cytogenetic location: 17q11.2.
Variant type: single nucleotide variant.
Coding change: c.3446T>C on transcript NM_001042492.3 (MANE Select); coding-DNA position 3446, T replaced by C.
Protein change: p.Met1149Thr; replaces methionine 1149 with threonine.
Molecular consequence: missense variant.
Genome position (GRCh38, 1-based): chr17:31,232,831, T>C. VCF-style: chr17-31232831-T-C. GRCh37 (hg19) VCF-style: chr17-29559849-T-C.
Other names: c.3446T>C, p.Met1149Thr (NM_000267.4); short protein forms M1149T.
Identifiers: ClinVar variation 660819 (VCV000660819.13), dbSNP rs1131691121, ClinGen allele CA398989302.